The following is an entry in ClinVar:

ClinVar aggregate classification (germline): Uncertain significance (1 of 4 stars; one submission).

Conditions:
Inborn genetic diseases. Identifiers: MedGen C0950123, MeSH D030342.

Submission:

Ambry Genetics
Classification: Uncertain significance for Inborn genetic diseases. Last evaluated: 2024-11-12. Review status: criteria provided, single submitter. Criteria: Ambry Variant Classification Scheme 2023. Collection method: clinical testing. Allele origin: germline.
Comment: The p.D257H variant (also known as c.769G>C), located in coding exon 9 of the ERCC2 gene, results from a G to C substitution at nucleotide position 769. The aspartic acid at codon 257 is replaced by histidine, an amino acid with similar properties. This amino acid position is conserved. In addition, this alteration is predicted to be deleterious by in silico analysis. Based on the available evidence, the clinical significance of this variant remains unclear.

NM_000400.4(ERCC2):c.769G>C (p.Asp257His)

Gene: ERCC2 (ERCC excision repair 2, TFIIH core complex helicase subunit; minus strand). Cytogenetic location: 19q13.32.
Variant type: single nucleotide variant.
Coding change: c.769G>C on transcript NM_000400.4 (MANE Select); coding-DNA position 769, G replaced by C.
Protein change: p.Asp257His; replaces aspartic acid 257 with histidine.
Molecular consequence: missense variant.
Genome position (GRCh38, 1-based): chr19:45,364,281, C>G on the plus strand (G>C on the coding strand, the complement: ERCC2 is on the minus strand). VCF-style: chr19-45364281-C-G. GRCh37 (hg19) VCF-style: chr19-45867539-C-G.
Other names: c.697G>C, p.Asp233His (NM_001130867.2); short protein forms D233H, D257H.
Identifiers: ClinVar variation 3509902 (VCV003509902.1).
Genomic context (GRCh38, chr19:45,364,281, plus strand): 5'-GTCCCCGGCCCCACCTGAGCACCGTCTTCTGCAGGGTCTCCAGGTTGCCCTGGCACCGGT[C>G]AAGGGTCCGGCGGGTGAGGTTGACGCTCATGGAGTCGATGCAGACGTTGTCTGGAGAAGG-3'
Protein context (NP_000391.1, residues 247-267): MSVNLTRRTL[Asp257His]RCQGNLETLQ